The following is an entry in ClinVar:

NM_000051.4(ATM):c.8857C>T (p.Leu2953=)

Genes: ATM (ATM serine/threonine kinase; plus strand), C11orf65 (chromosome 11 open reading frame 65; minus strand). Cytogenetic location: 11q22.3.
Variant type: single nucleotide variant.
Coding change: c.8857C>T on transcript NM_000051.4 (MANE Select); coding-DNA position 8857, C replaced by T.
Protein change: p.Leu2953=; no amino-acid change (leucine 2953 retained).
Molecular consequence: synonymous variant. On other transcripts: intron variant (2).
Genome position (GRCh38, 1-based): chr11:108,365,088, C>T. VCF-style: chr11-108365088-C-T. GRCh37 (hg19) VCF-style: chr11-108235815-C-T.
Other names: c.8857C>T, p.Leu2953= (NM_001351834.2); c.640+20832G>A (NM_001330368.2); c.694+20832G>A (NM_001351110.2).
Identifiers: ClinVar variation 3253991 (VCV003253991.2), dbSNP rs2137870068.
Genomic context (GRCh38, chr11:108,365,088, plus strand): 5'-GTATGTGATTAAAATGTACATTGTTCTTTTAATACATATGTTCTCTCTGTTTAGGTCCTT[C>T]TATATGATCCACTCTTTGACTGGACCATGAATCCTTTGAAAGCTTTGTATTTACAGCAGA-3'
Protein context (NP_000042.3, residues 2943-2963): ETLLTIVEVL[Leu2953=]YDPLFDWTMN

ClinVar aggregate classification (germline): Benign/Likely benign. Review status: criteria provided, multiple submitters, no conflicts (2 of 4 stars). 2 submissions from 2 submitters: Benign (1); Likely benign (1). Last evaluated 2025-01-15.

Conditions:
Familial cancer of breast. Also called: hereditary breast carcinoma; BREAST CANCER, FAMILIAL; Hereditary breast cancer. Identifiers: Orphanet 227535, MedGen C0346153, MONDO:0016419, OMIM 114480. Disease mechanism: loss of function.
Hereditary cancer-predisposing syndrome. Also called: Tumor predisposition; Hereditary Cancer Syndrome; Hereditary neoplastic syndrome; Neoplastic Syndromes, Hereditary. Identifiers: Orphanet 140162, MedGen C0027672, MeSH D009386, MONDO:0015356.

Submissions (2):

Ambry Genetics
Classification: Likely benign for Hereditary cancer-predisposing syndrome. Last evaluated: 2025-01-15. Review status: criteria provided, single submitter. Criteria: Ambry Variant Classification Scheme 2023. Collection method: clinical testing. Allele origin: germline.

Myriad Genetics, Inc.
Classification: Benign for Familial cancer of breast. Last evaluated: 2024-06-21. Review status: criteria provided, single submitter. Criteria: Myriad Autosomal Dominant, Autosomal Recessive and X-Linked Classification Criteria (2023). Collection method: clinical testing. Allele origin: unknown.
Comment: This variant is considered benign. This variant is a silent/synonymous amino acid change and it is not expected to impact splicing.